The following is an entry in ClinVar:

ClinVar aggregate classification (germline): Uncertain significance (3 of 4 stars; one submission).

Conditions:
Open-angle glaucoma. Identifiers: MedGen C0017612, MONDO:0005338, HP:0012108.

Submission:

ClinGen Glaucoma Variant Curation Expert Panel
Classification: Uncertain significance for Open-angle glaucoma. Last evaluated: 2025-12-03. Review status: reviewed by expert panel. Criteria: ClinGen Glaucoma ACMG Specifications V2.0.0 Approved. Collection method: curation. Allele origin: germline. Inheritance: Autosomal dominant inheritance.
Comment: The c.822del variant in MYOC is a deletion of a single nucleotide, predicted to encode a frameshift with consequent premature termination of the protein at codon 71 of the frameshift, or amino acid 346 (p.Lys275SerfsTer71). This variant is predicted to involve ≥ 10% of the protein within the conserved olfactomedin domain, meeting PM4. PVS1 did not apply, as the disease mechanism for MYOC variants associated with primary open angle glaucoma is not loss-of-function. The highest minor allele frequency of this variant was in the South Asian genetic ancestry group of gnomAD (v4.1.0) = 0.00001099 (1 allele out of 91,012), which met the ≤ 0.0001 threshold set for PM2_Supporting in a genetic ancestry group of at least 10,000 alleles. There was no computational or functional evidence predicting a damaging or benign impact of this variant on MYOC function. Only 1 proband with primary open angle glaucoma had been reported (PMID: 22736945), not meeting the ≥ 2 probands threshold required to meet PS4_Supporting. In summary, this variant met the criteria to receive a score of 3 and to be classified as a variant of uncertain significance (uncertain significance classification range -1 to 5, adapted from PMID: 32720330) for primary open angle glaucoma based on the ACMG/AMP criteria met, as specified by the ClinGen Glaucoma VCEP (v2.0.0, 5 Dec 2024): PM4, PM2_Supporting.

NM_000261.2(MYOC):c.822del (p.Lys275fs)

Gene: MYOC (myocilin; minus strand). Cytogenetic location: 1q24.3.
Variant type: Deletion.
Coding change: c.822del on transcript NM_000261.2 (MANE Select); coding-DNA position 822, one base deleted (C; older notation c.822delC).
Protein change: p.Lys275fs; shifts the reading frame from lysine 275.
Molecular consequence: frameshift variant.
Genome position (GRCh38, 1-based): chr1:171,636,618, G deleted on the plus strand (C on the coding strand, the reverse complement: MYOC is on the minus strand); the first of 4 consecutive G bases (chr1:171,636,618-171,636,621); deleting any one gives the same sequence. VCF-style (leftmost placement, unchanged base first): chr1-171636617-TG-T. GRCh37 (hg19) VCF-style: chr1-171605757-TG-T.
Other names: NM_000261.2:c.819del; short protein forms K275fs.
Identifiers: ClinVar variation 2442266 (VCV002442266.2), dbSNP rs1488630267, ClinGen allele CA527600366.
Genomic context (GRCh38, chr1:171,636,617, plus strand): 5'-CATCCGTGCCAACTGTGTCGATTCTCCACGTGGTCTCCTGGGTGTAGGGGTAGGTGGGCT[TG>T]GGGTCTCGCATCCACACACCATACTTGCCAGTAATTGTTTCTGCTGTTCTCAGCGTGAGA-3'